The following is an entry in ClinVar:

NM_001458.5(FLNC):c.8156C>T (p.Pro2719Leu)

Genes: FLNC-AS1 (FLNC antisense RNA 1; minus strand), FLNC (filamin C; plus strand). Cytogenetic location: 7q32.1.
Variant type: single nucleotide variant.
Coding change: c.8156C>T on transcript NM_001458.5 (MANE Select); coding-DNA position 8156, C replaced by T.
Protein change: p.Pro2719Leu; replaces proline 2719 with leucine.
Molecular consequence: missense variant.
Genome position (GRCh38, 1-based): chr7:128,858,501, C>T. VCF-style: chr7-128858501-C-T. GRCh37 (hg19) VCF-style: chr7-128498555-C-T.
Other names: c.8057C>T, p.Pro2686Leu (NM_001127487.2); short protein forms P2686L, P2719L.
Identifiers: ClinVar variation 640619 (VCV000640619.11), dbSNP rs1585173375, ClinGen allele CA369222138.
Genomic context (GRCh38, chr7:128,858,501, plus strand): 5'-AGGAGAAAGGGGACTACATCCTCATTGTCAAGTGGGGTGACGAAAGTGTCCCTGGAAGCC[C>T]CTTCAAAGTCAAGGTCCCTTGAATCCCAAAAGTGCCTCCCCAGCCTCAGCCCCCACCTCC-3'
Protein context (NP_001449.3, residues 2709-2725): KWGDESVPGS[Pro2719Leu]FKVKVP

ClinVar aggregate classification (germline): Uncertain significance (1 of 4 stars; one submission).

Conditions:
Myofibrillar myopathy 5. Also called: FILAMINOPATHY, AUTOSOMAL DOMINANT; Filaminopathy (type). Identifiers: Orphanet 171445, MedGen C1836050, MONDO:0012289, OMIM 609524.
Distal myopathy with posterior leg and anterior hand involvement. Also called: WILLIAMS DISTAL MYOPATHY. Identifiers: Orphanet 63273, MedGen C3279722, MONDO:0013550, OMIM 614065.
Hypertrophic cardiomyopathy 26. Also called: Cardiomyopathy, familial hypertrophic, 26. Identifiers: Orphanet 75249, MedGen C4310749, MONDO:0014883, OMIM 617047.

Submission:

Labcorp Genetics (formerly Invitae), Labcorp
Classification: Uncertain significance for Distal myopathy with posterior leg and anterior hand involvement; Myofibrillar myopathy 5; Hypertrophic cardiomyopathy 26. Last evaluated: 2019-11-18. Review status: criteria provided, single submitter. Criteria: Invitae Variant Classification Sherloc (09022015). Collection method: clinical testing. Allele origin: germline.
Comment: This variant is not present in population databases (ExAC no frequency). In summary, the available evidence is currently insufficient to determine the role of this variant in disease. Therefore, it has been classified as a Variant of Uncertain Significance. Algorithms developed to predict the effect of missense changes on protein structure and function are either unavailable or do not agree on the potential impact of this missense change (SIFT: "Deleterious"; PolyPhen-2: "Probably Damaging"; Align-GVGD: "Class C0"). This variant has not been reported in the literature in individuals with FLNC-related disease. This sequence change replaces proline with leucine at codon 2719 of the FLNC protein (p.Pro2719Leu). The proline residue is highly conserved and there is a moderate physicochemical difference between proline and leucine.